The following is an entry in ClinVar:

NM_002528.7(NTHL1):c.130C>A (p.His44Asn)

Gene: NTHL1 (nth like DNA glycosylase 1; minus strand). Cytogenetic location: 16p13.3.
Variant type: single nucleotide variant.
Coding change: c.130C>A on transcript NM_002528.7 (MANE Select); coding-DNA position 130, C replaced by A.
Protein change: p.His44Asn; replaces histidine 44 with asparagine.
Molecular consequence: missense variant. On other transcripts: 5 prime UTR variant (1).
Genome position (GRCh38, 1-based): chr16:2,046,352, G>T on the plus strand (C>A on the coding strand, the complement: NTHL1 is on the minus strand). VCF-style: chr16-2046352-G-T. GRCh37 (hg19) VCF-style: chr16-2096353-G-T.
Other names: c.130C>A, p.His44Asn (NM_001318193.2); c.-49C>A (NM_001318194.2); short protein forms H44N.
Identifiers: ClinVar variation 2107041 (VCV002107041.4), dbSNP rs374988261, ClinGen allele CA394298053.

ClinVar aggregate classification (germline): Uncertain significance (1 of 4 stars; one submission).

Submission:

Labcorp Genetics (formerly Invitae), Labcorp
Classification: Uncertain significance. Last evaluated: 2025-03-05. Review status: criteria provided, single submitter. Criteria: Invitae Variant Classification Sherloc (09022015). Collection method: clinical testing. Allele origin: germline.
Comment: This sequence change replaces histidine, which is basic and polar, with asparagine, which is neutral and polar, at codon 52 of the NTHL1 protein (p.His52Asn). This variant is not present in population databases (gnomAD no frequency). This variant has not been reported in the literature in individuals affected with NTHL1-related conditions. ClinVar contains an entry for this variant (Variation ID: 2107041). An algorithm developed to predict the effect of missense changes on protein structure and function (PolyPhen-2) suggests that this variant is likely to be tolerated. In summary, the available evidence is currently insufficient to determine the role of this variant in disease. Therefore, it has been classified as a Variant of Uncertain Significance.